The following is an entry in ClinVar:

NM_020987.5(ANK3):c.6527A>G (p.Tyr2176Cys)

Gene: ANK3 (ankyrin 3; minus strand). Cytogenetic location: 10q21.2.
Variant type: single nucleotide variant.
Coding change: c.6527A>G on transcript NM_020987.5 (MANE Select); coding-DNA position 6527, A replaced by G.
Protein change: p.Tyr2176Cys; replaces tyrosine 2176 with cysteine.
Molecular consequence: missense variant. On other transcripts: intron variant (4).
Genome position (GRCh38, 1-based): chr10:60,074,354, T>C on the plus strand (A>G on the coding strand, the complement: ANK3 is on the minus strand). VCF-style: chr10-60074354-T-C. GRCh37 (hg19) VCF-style: chr10-61834112-T-C.
Other names: c.4387+6183A>G (NM_001204403.2); c.4408+6183A>G (NM_001204404.2); c.4405+6183A>G (NM_001320874.2); c.1807+6183A>G (NM_001149.4); short protein forms Y2176C.
Identifiers: ClinVar variation 4086644 (VCV004086644.1).

ClinVar aggregate classification (germline): Uncertain significance (1 of 4 stars; one submission).

gnomAD v4.1: 2 of 1,614,046 alleles (0.00012%); highest among the groups gnomAD compares: South Asian, 0.0011%; no homozygotes.

Submission:

GeneDx
Classification: Uncertain significance. Last evaluated: 2025-03-18. Review status: criteria provided, single submitter. Criteria: GeneDx Variant Classification Process June 2021. Collection method: clinical testing. Allele origin: germline. Affected: yes.
Comment: Not observed at significant frequency in large population cohorts (gnomAD); In silico analysis supports that this missense variant has a deleterious effect on protein structure/function; Has not been previously published as pathogenic or benign to our knowledge